The following is an entry in ClinVar:

NM_001080.3(ALDH5A1):c.1091T>C (p.Met364Thr)

Gene: ALDH5A1 (aldehyde dehydrogenase 5 family member A1; plus strand). Cytogenetic location: 6p22.3.
Variant type: single nucleotide variant.
Coding change: c.1091T>C on transcript NM_001080.3 (MANE Select); coding-DNA position 1091, T replaced by C.
Protein change: p.Met364Thr; replaces methionine 364 with threonine.
Molecular consequence: missense variant.
Genome position (GRCh38, 1-based): chr6:24,522,843, T>C. VCF-style: chr6-24522843-T-C. GRCh37 (hg19) VCF-style: chr6-24523071-T-C.
Other names: c.947T>C, p.Met316Thr (NM_001368954.1); c.1130T>C, p.Met377Thr (NM_170740.1); short protein forms M377T, M316T, M364T.
Identifiers: ClinVar variation 1440517 (VCV001440517.6), dbSNP rs2127387964, ClinGen allele CA362976217.

ClinVar aggregate classification (germline): Uncertain significance (1 of 4 stars; one submission).

Conditions:
Succinate-semialdehyde dehydrogenase deficiency (SSADHD). Also called: 4-HYDROXYBUTYRIC ACIDURIA; GABA METABOLIC DEFECT; SSADH DEFICIENCY; Succinic Semialdehyde Dehydrogenase Deficiency. Identifiers: Orphanet 22, MedGen C0268631, MONDO:0010083, OMIM 271980.

Submission:

Labcorp Genetics (formerly Invitae), Labcorp
Classification: Uncertain significance for Succinate-semialdehyde dehydrogenase deficiency. Last evaluated: 2021-07-28. Review status: criteria provided, single submitter. Criteria: Invitae Variant Classification Sherloc (09022015). Collection method: clinical testing. Allele origin: germline.
Comment: In summary, the available evidence is currently insufficient to determine the role of this variant in disease. Therefore, it has been classified as a Variant of Uncertain Significance. Advanced modeling of protein sequence and biophysical properties (such as structural, functional, and spatial information, amino acid conservation, physicochemical variation, residue mobility, and thermodynamic stability) performed at Invitae indicates that this missense variant is not expected to disrupt ALDH5A1 protein function. This variant has not been reported in the literature in individuals affected with ALDH5A1-related conditions. This variant is not present in population databases (ExAC no frequency). This sequence change replaces methionine with threonine at codon 364 of the ALDH5A1 protein (p.Met364Thr). The methionine residue is moderately conserved and there is a moderate physicochemical difference between methionine and threonine.